The following is an entry in ClinVar:

NM_020738.4(KIDINS220):c.1977T>A (p.Ser659=)

Gene: KIDINS220 (kinase D interacting substrate 220; minus strand). Cytogenetic location: 2p25.1.
Variant type: single nucleotide variant.
Coding change: c.1977T>A on transcript NM_020738.4 (MANE Select); coding-DNA position 1977, T replaced by A.
Protein change: p.Ser659=; no amino-acid change (serine 659 retained).
Molecular consequence: synonymous variant. On other transcripts: non-coding transcript variant (2).
Genome position (GRCh38, 1-based): chr2:8,785,993, A>T on the plus strand (T>A on the coding strand, the complement: KIDINS220 is on the minus strand). VCF-style: chr2-8785993-A-T. GRCh37 (hg19) VCF-style: chr2-8926123-A-T.
Other names: c.1980T>A, p.Ser660= (NM_001348729.2, NM_001348731.2, NM_001348734.2 and 3 more transcripts); c.1977T>A, p.Ser659= (NM_001348732.2, NM_001348735.2, NM_001348738.2 and 3 more transcripts); c.1851T>A, p.Ser617= (NM_001348736.2); c.1977T>A (NM_020738.2).
Identifiers: ClinVar variation 1530716 (VCV001530716.10), dbSNP rs752197124, ClinGen allele CA1520061.

ClinVar aggregate classification (germline): Likely benign. Review status: criteria provided, multiple submitters, no conflicts (2 of 4 stars). 3 submissions from 3 submitters: Likely benign (2). 1 of the submissions does not count toward it. Last evaluated 2026-09-01.

Conditions:
KIDINS220-related disorder. Also called: KIDINS220-related condition.

Allele frequency attached by ClinVar (database versions not stated): TOPMed 0.00001; ExAC 0.00004; gnomAD exomes 0.00007; gnomAD 0.00008 and 0.00009.
gnomAD v4.1: 54 of 1,611,072 alleles (0.0034%); highest among the groups gnomAD compares: Non-Finnish European, 0.0014%; 1 homozygote.

Submissions (3):

CeGaT Center for Human Genetics Tuebingen
Classification: Likely benign. Last evaluated: 2026-09-01. Review status: criteria provided, single submitter. Criteria: CeGaT Center For Human Genetics Tuebingen Variant Classification Criteria Version 2. Collection method: clinical testing. Allele origin: germline. Affected: yes. Observed: 1 variant allele.
Comment: KIDINS220: BP4, BP7

Labcorp Genetics (formerly Invitae), Labcorp
Classification: Likely benign. Last evaluated: 2025-03-17. Review status: criteria provided, single submitter. Criteria: Invitae Variant Classification Sherloc (09022015). Collection method: clinical testing. Allele origin: germline.

PreventionGenetics, part of Exact Sciences
Classification: Likely benign for KIDINS220-related condition. Last evaluated: 2021-05-24. Review status: no assertion criteria provided. Collection method: clinical testing. Allele origin: germline. Not counted in ClinVar's aggregate classification.
Comment: This variant is classified as likely benign based on ACMG/AMP sequence variant interpretation guidelines (Richards et al. 2015 PMID: 25741868, with internal and published modifications).